The following is an entry in ClinVar:

ClinVar aggregate classification (germline): Uncertain significance (1 of 4 stars; one submission).

Submission:

Women's Health and Genetics/Laboratory Corporation of America, LabCorp
Classification: Uncertain significance. Last evaluated: 2024-11-26. Review status: criteria provided, single submitter. Criteria: LabCorp Variant Classification Summary - May 2015. Collection method: clinical testing. Allele origin: germline.
Comment: Variant summary: TTN c.40120G>A (p.Val13374Ile) results in a conservative amino acid change in the encoded protein sequence. Three of four in-silico tools predict a benign effect of the variant on protein function. The frequency data for this variant in gnomAD is considered unreliable, as metrics indicate poor data quality at this position. To our knowledge, no occurrence of c.40120G>A in individuals affected with TTN-related conditions and no experimental evidence demonstrating its impact on protein function have been reported. No submitters have cited clinical-significance assessments for this variant to ClinVar. Based on the evidence outlined above, the variant was classified as uncertain significance.

NM_001267550.2(TTN):c.47824G>A (p.Val15942Ile)

Genes: TTN (titin; minus strand), TTN-AS1 (TTN antisense RNA 1; plus strand). Cytogenetic location: 2q31.2.
Variant type: single nucleotide variant.
Coding change: c.47824G>A on transcript NM_001267550.2 (MANE Select); coding-DNA position 47824, G replaced by A.
Protein change: p.Val15942Ile; replaces valine 15942 with isoleucine.
Molecular consequence: missense variant.
Genome position (GRCh38, 1-based): chr2:178,617,171, C>T on the plus strand (G>A on the coding strand, the complement: TTN is on the minus strand). VCF-style: chr2-178617171-C-T. GRCh37 (hg19) VCF-style: chr2-179481898-C-T.
Other names: c.42901G>A, p.Val14301Ile (NM_001256850.1); c.20629G>A, p.Val6877Ile (NM_003319.4); c.40120G>A, p.Val13374Ile (NM_133378.4); c.21004G>A, p.Val7002Ile (NM_133432.3); c.21205G>A, p.Val7069Ile (NM_133437.4); short protein forms V13374I, V14301I, V15942I, V6877I, V7002I, V7069I.
Identifiers: ClinVar variation 3629562 (VCV003629562.2).
Genomic context (GRCh38, chr2:178,617,171, plus strand): 5'-TCTATTTACCAAATGCATCGTCAGCGGTGAGAGGACCAAGAATTTCAGATGGATCTGAAA[C>T]ACCAGCTTTATTTTCTGCAGATACTCTATATAAATATTTATTTCCTTTTTCCAATCCGGT-3'
Protein context (NP_001254479.2, residues 15932-15952): YRVSAENKAG[Val15942Ile]SDPSEILGPL